The following is an entry in ClinVar:

ClinVar aggregate classification (germline): Pathogenic (1 of 4 stars; one submission).

gnomAD v4.1: 1 of 1,613,574 alleles (0.000062%); highest among the groups gnomAD compares: African/African-American, 0.0013%; no homozygotes.

Submission:

Labcorp Genetics (formerly Invitae), Labcorp
Classification: Pathogenic. Last evaluated: 2023-11-19. Review status: criteria provided, single submitter. Criteria: Invitae Variant Classification Sherloc (09022015). Collection method: clinical testing. Allele origin: germline.
Comment: This sequence change creates a premature translational stop signal (p.Ser569*) in the GPR179 gene. It is expected to result in an absent or disrupted protein product. Loss-of-function variants in GPR179 are known to be pathogenic (PMID: 22325361, 22325362). This variant is present in population databases (no rsID available, gnomAD 0.007%). This premature translational stop signal has been observed in individual(s) with congenital stationary night blindness (PMID: 31964843). For these reasons, this variant has been classified as Pathogenic.

Literature cited by the submitters: PubMed 22325361; PubMed 22325362; PubMed 31964843.

NM_001004334.4(GPR179):c.1706C>A (p.Ser569Ter)

Gene: GPR179 (G protein-coupled receptor 179; minus strand). Cytogenetic location: 17q12.
Variant type: single nucleotide variant.
Coding change: c.1706C>A on transcript NM_001004334.4 (MANE Select); coding-DNA position 1706, C replaced by A.
Protein change: p.Ser569Ter; replaces serine 569 with a stop codon.
Molecular consequence: nonsense.
Genome position (GRCh38, 1-based): chr17:38,334,782, G>T on the plus strand (C>A on the coding strand, the complement: GPR179 is on the minus strand). VCF-style: chr17-38334782-G-T. GRCh37 (hg19) VCF-style: chr17-36490665-G-T.
Other names: short protein forms S569*.
Identifiers: ClinVar variation 2693218 (VCV002693218.3), dbSNP rs940957113, ClinGen allele CA398886100.